The following is an entry in ClinVar:

NM_001267550.2(TTN):c.7133A>G (p.Lys2378Arg)

Genes: TTN (titin; minus strand), LOC126806433 (BRD4-independent group 4 enhancer GRCh37_chr2:179638309-179639508; plus strand). Cytogenetic location: 2q31.2.
Variant type: single nucleotide variant.
Coding change: c.7133A>G on transcript NM_001267550.2 (MANE Select); coding-DNA position 7133, A replaced by G.
Protein change: p.Lys2378Arg; replaces lysine 2378 with arginine.
Molecular consequence: missense variant.
Genome position (GRCh38, 1-based): chr2:178,774,035, T>C on the plus strand (A>G on the coding strand, the complement: TTN is on the minus strand). VCF-style: chr2-178774035-T-C. GRCh37 (hg19) VCF-style: chr2-179638762-T-C.
Other names: c.7133A>G, p.Lys2378Arg (NM_133378.4, NM_001256850.1, NM_133379.5); c.6995A>G, p.Lys2332Arg (NM_003319.4, NM_133432.3, NM_133437.4); short protein forms K2378R, K2332R.
Identifiers: ClinVar variation 166309 (VCV000166309.5), dbSNP rs727503690, ClinGen allele CA179271.

ClinVar aggregate classification (germline): Uncertain significance (1 of 4 stars; one submission).

Allele frequency attached by ClinVar (database versions not stated): gnomAD exomes below 0.00001 and 0.00001.
gnomAD v4.1: 4 of 1,614,052 alleles (0.00025%); highest among the groups gnomAD compares: South Asian, 0.0044%; no homozygotes.

Submission:

Laboratory for Molecular Medicine, Mass General Brigham Personalized Medicine
Classification: Uncertain significance. Last evaluated: 2014-02-06. Review status: criteria provided, single submitter. Criteria: LMM Criteria. Collection method: clinical testing. Allele origin: germline. Observed: 1 variant allele.
Comment: Variant classified as Uncertain Significance - Favor Benign. The Lys2378Arg vari ant in TTN has not been previously reported in individuals with cardiomyopathy a nd was absent from large population studies. Lysine (Lys) at position 2378 is poorly conserved in evolution (1 mammal and multiple fish species carrying the v ariant amino acid), supporting that this change may be tolerated. Additional com putational prediction tools do not provide strong support for or against an impa ct to the protein. Although the presence of the variant amino acid in multiple other species supports that the Lys2378Arg variant may be benign, additional stu dies are needed to fully assess its clinical significance.